The following is an entry in ClinVar:

NM_019892.6(INPP5E):c.1791G>C (p.Pro597=)

Gene: INPP5E (inositol polyphosphate-5-phosphatase E; minus strand). Cytogenetic location: 9q34.3.
Variant type: single nucleotide variant.
Coding change: c.1791G>C on transcript NM_019892.6 (MANE Select); coding-DNA position 1791, G replaced by C.
Protein change: p.Pro597=; no amino-acid change (proline 597 retained).
Molecular consequence: synonymous variant.
Genome position (GRCh38, 1-based): chr9:136,430,288, C>G on the plus strand (G>C on the coding strand, the complement: INPP5E is on the minus strand). VCF-style: chr9-136430288-C-G. GRCh37 (hg19) VCF-style: chr9-139324740-C-G.
Other names: c.1788G>C, p.Pro596= (NM_001318502.2).
Identifiers: ClinVar variation 129271 (VCV000129271.62), dbSNP rs10870182, ClinGen allele CA153166.
Genomic context (GRCh38, chr9:136,430,288, plus strand): 5'-CGGCACGACCCCCAGGCCCAAGGGGGAAGGTGAGCGGGAGAACACTGACTTGTCTCGCCC[C>G]GGCCTCACTTTCACCCGGAAGAGGCCATACACAGGGCGGTGGTCGGACGTCTTGATCCCG-3'
Protein context (NP_063945.2, residues 587-607): VYGLFRVKVR[Pro597=]GRDNIPLAAG

ClinVar aggregate classification (germline): Conflicting classifications of pathogenicity. Review status: criteria provided, conflicting classifications (1 of 4 stars). 10 submissions from 10 submitters: Uncertain significance (1); Benign (5). 4 of the submissions do not count toward it. Last evaluated 2026-09-01.

Conditions:
Joubert syndrome 1 (JBTS1). Also called: CEREBELLOPARENCHYMAL DISORDER IV; Cerebellooculorenal syndrome 1. Identifiers: MedGen C4551568, MONDO:0008944, OMIM 213300.
Joubert syndrome. Also called: JOUBERT-BOLTSHAUSER SYNDROME; Familial aplasia of the vermis. Identifiers: Orphanet 475, MedGen C5979921, MONDO:0018772.

Allele frequency attached by ClinVar (database versions not stated): 1000 Genomes Project 0.00100; 1000 Genomes Project 30x 0.00109.
gnomAD v4.1: 12,960 of 1,551,406 alleles (0.84%); highest among the groups gnomAD compares: Non-Finnish European, 1%; 83 homozygotes.

Submissions (10):

CeGaT Center for Human Genetics Tuebingen
Classification: Benign. Last evaluated: 2026-09-01. Review status: criteria provided, single submitter. Criteria: CeGaT Center For Human Genetics Tuebingen Variant Classification Criteria Version 2. Collection method: clinical testing. Allele origin: germline. Affected: yes. Observed: 24 variant alleles.
Comment: INPP5E: BP4, BP7, BS1, BS2

Labcorp Genetics (formerly Invitae), Labcorp
Classification: Benign for Joubert syndrome. Last evaluated: 2026-02-02. Review status: criteria provided, single submitter. Criteria: Invitae Variant Classification Sherloc (09022015). Collection method: clinical testing. Allele origin: germline.

Illumina Laboratory Services, Illumina
Classification: Uncertain significance for Joubert syndrome 1. Last evaluated: 2018-01-12. Review status: criteria provided, single submitter. Criteria: ICSL Variant Classification Criteria 13 December 2019. Collection method: clinical testing. Allele origin: germline.

PreventionGenetics, part of Exact Sciences
Classification: Benign. Last evaluated: 2016-01-11. Review status: criteria provided, single submitter. Criteria: ACMG Guidelines, 2015. Collection method: clinical testing. Allele origin: germline.

GeneDx
Classification: Benign. Last evaluated: 2015-09-17. Review status: criteria provided, single submitter. Criteria: GeneDx Variant Classification (06012015). Collection method: clinical testing. Allele origin: germline. Affected: yes.
Comment: This variant is considered likely benign or benign based on one or more of the following criteria: it is a conservative change, it occurs at a poorly conserved position in the protein, it is predicted to be benign by multiple in silico algorithms, and/or has population frequency not consistent with disease.

Genetic Services Laboratory, University of Chicago
Classification: Benign for AllHighlyPenetrant. Last evaluated: 2013-07-22. Review status: criteria provided, single submitter. Criteria: ACMG Guidelines, 2007. Collection method: clinical testing. Allele origin: germline. Inheritance: Autosomal recessive inheritance.

Clinical Genetics DNA and cytogenetics Diagnostics Lab, Erasmus MC, Erasmus Medical Center
Classification: Likely benign. Review status: no assertion criteria provided. Collection method: clinical testing. Allele origin: germline. Affected: yes. Study: VKGL Data-share Consensus. Not counted in ClinVar's aggregate classification.

Clinical Genetics, Academic Medical Center
Classification: Benign. Review status: no assertion criteria provided. Collection method: clinical testing. Allele origin: germline. Affected: yes. Study: VKGL Data-share Consensus. Not counted in ClinVar's aggregate classification.

Diagnostic Laboratory, Department of Genetics, University Medical Center Groningen
Classification: Likely benign. Review status: no assertion criteria provided. Collection method: clinical testing. Allele origin: germline. Affected: yes. Study: VKGL Data-share Consensus. Not counted in ClinVar's aggregate classification.

Genome Diagnostics Laboratory, University Medical Center Utrecht
Classification: Likely benign. Review status: no assertion criteria provided. Collection method: clinical testing. Allele origin: germline. Affected: yes. Study: VKGL Data-share Consensus. Not counted in ClinVar's aggregate classification.